The following is an entry in ClinVar:

NM_032649.6(CNDP1):c.44_48dup (p.Leu17fs)

Gene: CNDP1 (carnosine dipeptidase 1; plus strand). Cytogenetic location: 18q22.3.
Variant type: Duplication.
Coding change: c.44_48dup on transcript NM_032649.6 (MANE Select); coding-DNA positions 44 to 48, 5 bases duplicated (TGCTG; older notation c.44_48dupTGCTG).
Protein change: p.Leu17fs; shifts the reading frame from leucine 17.
Molecular consequence: frameshift variant.
Genome position (GRCh38, 1-based): chr18:74,556,357-74,556,361, TGCTG duplicated; duplicating any 5 consecutive bases within chr18:74,556,353-74,556,361 gives the same sequence; the c. name uses the placement nearest the transcript's 3' end. VCF-style (leftmost placement, unchanged base first): chr18-74556352-G-GGCTGT. GRCh37 (hg19) VCF-style: chr18-72223587-G-GGCTGT.
Other names: short protein forms L17fs.
Identifiers: ClinVar variation 3033283 (VCV003033283.2), dbSNP rs532358622, ClinGen allele CA8999567.

ClinVar aggregate classification (germline): Likely benign (0 of 4 stars; one submission).

Conditions:
CNDP1-related disorder. Also called: CNDP1-related condition.

Submission:

PreventionGenetics, part of Exact Sciences
Classification: Likely benign for CNDP1-related condition. Last evaluated: 2023-02-17. Review status: no assertion criteria provided. Collection method: clinical testing. Allele origin: germline.
Comment: This variant is classified as likely benign based on ACMG/AMP sequence variant interpretation guidelines (Richards et al. 2015 PMID: 25741868, with internal and published modifications).